The following is an entry in ClinVar:

NM_000051.4(ATM):c.4415T>A (p.Leu1472Ter)

Gene: ATM (ATM serine/threonine kinase; plus strand). Cytogenetic location: 11q22.3.
Variant type: single nucleotide variant.
Coding change: c.4415T>A on transcript NM_000051.4 (MANE Select); coding-DNA position 4415, T replaced by A.
Protein change: p.Leu1472Ter; replaces leucine 1472 with a stop codon.
Molecular consequence: nonsense.
Genome position (GRCh38, 1-based): chr11:108,289,780, T>A. VCF-style: chr11-108289780-T-A. GRCh37 (hg19) VCF-style: chr11-108160507-T-A.
Other names: c.4415T>A, p.Leu1472Ter (NM_001351834.2); short protein forms L1472*.
Identifiers: ClinVar variation 524382 (VCV000524382.7), dbSNP rs772555314, ClinGen allele CA382532250.

ClinVar aggregate classification (germline): Pathogenic. Review status: criteria provided, multiple submitters, no conflicts (2 of 4 stars). 2 submissions from 2 submitters: Pathogenic (2). Last evaluated 2024-01-24.

Conditions:
Familial cancer of breast. Also called: hereditary breast carcinoma; BREAST CANCER, FAMILIAL; Hereditary breast cancer. Identifiers: Orphanet 227535, MedGen C0346153, MONDO:0016419, OMIM 114480. Disease mechanism: loss of function.
Ataxia-telangiectasia syndrome (AT). Also called: ATAXIA-TELANGIECTASIA, COMPLEMENTATION GROUP A; ATAXIA-TELANGIECTASIA, FRESNO VARIANT; Ataxia-telangiectasia; Ataxia-telangiectasia, complementation group D; AT, COMPLEMENTATION GROUP C; Ataxia-telangiectasia, complementation group E. Identifiers: Orphanet 100, MedGen C0004135, MONDO:0008840, OMIM 208900.

Submissions (2):

Myriad Genetics, Inc.
Classification: Pathogenic for Familial cancer of breast. Last evaluated: 2024-01-24. Review status: criteria provided, single submitter. Criteria: Myriad Autosomal Dominant, Autosomal Recessive and X-Linked Classification Criteria (2023). Collection method: clinical testing. Allele origin: unknown.
Comment: This variant is considered pathogenic. This variant creates a termination codon and is predicted to result in premature protein truncation.

Labcorp Genetics (formerly Invitae), Labcorp
Classification: Pathogenic for Ataxia-telangiectasia syndrome. Last evaluated: 2023-11-21. Review status: criteria provided, single submitter. Criteria: Invitae Variant Classification Sherloc (09022015). Collection method: clinical testing. Allele origin: germline.
Comment: This sequence change creates a premature translational stop signal (p.Leu1472*) in the ATM gene. It is expected to result in an absent or disrupted protein product. Loss-of-function variants in ATM are known to be pathogenic (PMID: 23807571, 25614872). This variant is not present in population databases (gnomAD no frequency). This variant has not been reported in the literature in individuals affected with ATM-related conditions. ClinVar contains an entry for this variant (Variation ID: 524382). For these reasons, this variant has been classified as Pathogenic.

Literature cited by the submitters: PubMed 23807571 (cited by Labcorp Genetics (formerly Invitae), Labcorp); PubMed 25614872 (cited by Labcorp Genetics (formerly Invitae), Labcorp).